The following is an entry in ClinVar:

NM_002485.5(NBN):c.1225dup (p.Thr409fs)

Gene: NBN (nibrin; minus strand). Cytogenetic location: 8q21.3.
Variant type: Duplication.
Coding change: c.1225dup on transcript NM_002485.5 (MANE Select); coding-DNA position 1225, one base duplicated (A; older notation c.1225dupA).
Protein change: p.Thr409fs; shifts the reading frame from threonine 409.
Molecular consequence: frameshift variant.
Genome position (GRCh38, 1-based): chr8:89,955,455, T duplicated on the plus strand (A on the coding strand, the reverse complement: NBN is on the minus strand); the first of 4 consecutive T bases (chr8:89,955,455-89,955,458); duplicating any one gives the same sequence. VCF-style (leftmost placement, unchanged base first): chr8-89955454-G-GT. GRCh37 (hg19) VCF-style: chr8-90967682-G-GT.
Other names: c.979dup, p.Thr327fs (NM_001024688.3); c.1225dupA (NM_002485.4); short protein forms T409fs, T327fs.
Identifiers: ClinVar variation 1754134 (VCV001754134.3), dbSNP rs2129720423, ClinGen allele CA2580079081.
Genomic context (GRCh38, chr8:89,955,454, plus strand): 5'-TAGTTTGGGATTCTCATCTTAGCCAAAGTATTTGATACCATACTATTATTATTAGAGCTT[G>GT]TTTTGCAGGACTCCTTTACAGTGGGTGCATCTTGTGAAAGCATTCTGAATTTTTGTTCCA-3'

ClinVar aggregate classification (germline): Pathogenic/Likely pathogenic. Review status: criteria provided, multiple submitters, no conflicts (2 of 4 stars). 2 submissions from 2 submitters: Pathogenic (1); Likely pathogenic (1). Last evaluated 2024-01-01.

Conditions:
Hereditary cancer-predisposing syndrome. Also called: Neoplastic Syndromes, Hereditary; Tumor predisposition; Hereditary Cancer Syndrome; Hereditary neoplastic syndrome. Identifiers: Orphanet 140162, MedGen C0027672, MeSH D009386, MONDO:0015356.
Aplastic anemia. Identifiers: Orphanet 182040, Orphanet 88, MedGen C0002874, MONDO:0015909, OMIM 609135, HP:0001915.

Submissions (2):

Baylor Genetics
Classification: Likely pathogenic for Aplastic anemia. Last evaluated: 2024-01-01. Review status: criteria provided, single submitter. Criteria: ACMG Guidelines, 2015. Collection method: clinical testing. Allele origin: unknown.

Ambry Genetics
Classification: Pathogenic for Hereditary cancer-predisposing syndrome. Last evaluated: 2020-02-13. Review status: criteria provided, single submitter. Criteria: Ambry Variant Classification Scheme 2023. Collection method: clinical testing. Allele origin: germline.
Comment: The c.1225dupA pathogenic mutation, located in coding exon 10 of the NBN gene, results from a duplication of A at nucleotide position 1225, causing a translational frameshift with a predicted alternate stop codon (p.T409Nfs*4). This alteration is expected to result in loss of function by premature protein truncation or nonsense-mediated mRNA decay. As such, this alteration is interpreted as a disease-causing mutation.